The following is an entry in ClinVar:

ClinVar aggregate classification (germline): Pathogenic. Review status: criteria provided, multiple submitters, no conflicts (2 of 4 stars). 3 submissions from 3 submitters: Pathogenic (3). Last evaluated 2026-04-21.

Conditions:
Hereditary cancer-predisposing syndrome. Also called: Hereditary neoplastic syndrome; Neoplastic Syndromes, Hereditary; Hereditary Cancer Syndrome; Tumor predisposition. Identifiers: Orphanet 140162, MedGen C0027672, MeSH D009386, MONDO:0015356.
Oligodontia-cancer predisposition syndrome. Also called: TOOTH AGENESIS-COLORECTAL CANCER SYNDROME. Identifiers: Orphanet 300576, MedGen C1837750, MONDO:0012075, OMIM 608615. Disease mechanism: loss of function.

Submissions (3):

Myriad Genetics, Inc.
Classification: Pathogenic for Oligodontia-cancer predisposition syndrome. Last evaluated: 2026-04-21. Review status: criteria provided, single submitter. Criteria: Myriad Autosomal Dominant, Autosomal Recessive and X-Linked Classification Criteria (2023). Collection method: clinical testing. Allele origin: unknown.
Comment: This variant is considered pathogenic. This variant creates a frameshift predicted to result in premature protein truncation.

Labcorp Genetics (formerly Invitae), Labcorp
Classification: Pathogenic for Oligodontia-cancer predisposition syndrome. Last evaluated: 2025-02-18. Review status: criteria provided, single submitter. Criteria: Invitae Variant Classification Sherloc (09022015). Collection method: clinical testing. Allele origin: germline.
Comment: This sequence change creates a premature translational stop signal (p.Gly546Alafs*143) in the AXIN2 gene. It is expected to result in an absent or disrupted protein product. Loss-of-function variants in AXIN2 are known to be pathogenic (PMID: 15042511, 21416598). This variant is not present in population databases (gnomAD no frequency). This variant has not been reported in the literature in individuals affected with AXIN2-related conditions. ClinVar contains an entry for this variant (Variation ID: 464561). For these reasons, this variant has been classified as Pathogenic.

Ambry Genetics
Classification: Pathogenic for Hereditary cancer-predisposing syndrome. Last evaluated: 2024-01-17. Review status: criteria provided, single submitter. Criteria: Ambry Variant Classification Scheme 2023. Collection method: clinical testing. Allele origin: germline.
Comment: The c.1637delG pathogenic mutation, located in coding exon 5 of the AXIN2 gene, results from a deletion of one nucleotide at nucleotide position 1637, causing a translational frameshift with a predicted alternate stop codon (p.G546Afs*143). This alteration is expected to result in loss of function by premature protein truncation or nonsense-mediated mRNA decay. As such, this alteration is interpreted as a disease-causing mutation.

Literature cited by the submitters: PubMed 15042511 (cited by Labcorp Genetics (formerly Invitae), Labcorp); PubMed 21416598 (cited by Labcorp Genetics (formerly Invitae), Labcorp).

NM_004655.4(AXIN2):c.1637del (p.Gly546fs)

Gene: AXIN2 (axin 2; minus strand). Cytogenetic location: 17q24.1.
Variant type: Deletion.
Coding change: c.1637del on transcript NM_004655.4 (MANE Select); coding-DNA position 1637, one base deleted (G; older notation c.1637delG).
Protein change: p.Gly546fs; shifts the reading frame from glycine 546.
Molecular consequence: frameshift variant.
Genome position (GRCh38, 1-based): chr17:65,537,399, C deleted on the plus strand (G on the coding strand, the reverse complement: AXIN2 is on the minus strand); the first of 5 consecutive C bases (chr17:65,537,399-65,537,403); deleting any one gives the same sequence. VCF-style (leftmost placement, unchanged base first): chr17-65537398-GC-G. GRCh37 (hg19) VCF-style: chr17-63533516-GC-G.
Other names: c.1637del (LRG_296t1); c.1637del, p.Gly546fs (NM_001363813.1); short protein forms G546fs.
Identifiers: ClinVar variation 464561 (VCV000464561.10), dbSNP rs1555577625, ClinGen allele CA658658694.